The following is an entry in ClinVar:

NM_017780.4(CHD7):c.4851-17G>A

Gene: CHD7 (chromodomain helicase DNA binding protein 7; plus strand). Cytogenetic location: 8q12.2.
Variant type: single nucleotide variant.
Coding change: c.4851-17G>A on transcript NM_017780.4 (MANE Select); 17 bases into the intron before coding-DNA position 4851, G replaced by A.
Molecular consequence: intron variant.
Genome position (GRCh38, 1-based): chr8:60,844,847, G>A. VCF-style: chr8-60844847-G-A. GRCh37 (hg19) VCF-style: chr8-61757406-G-A.
Other names: c.1717-17382G>A (NM_001316690.1).
Identifiers: ClinVar variation 3630792 (VCV003630792.2).
Genomic context (GRCh38, chr8:60,844,847, plus strand): 5'-CGCTGGTACCTGACTTAAAGTAAAGCCATAAATCAAAACTCACAGGCACCTCTGCATGCT[G>A]GATATTTGCTTTGCAGTTGGGGACGGTGGACAGACATTCTTTCCCACGGACGCTATAAAC-3'

ClinVar aggregate classification (germline): Uncertain significance (1 of 4 stars; one submission).

Conditions:
CHARGE syndrome (CHARGE). Also called: Hittner Hirsch Kreh syndrome; CHARGE ASSOCIATION--COLOBOMA, HEART ANOMALY, CHOANAL ATRESIA, RETARDATION, GENITAL AND EAR ANOMALIES; Coloboma, heart anomaly, choanal atresia, retardation, genital and ear anomalies; CHARGE association; Hall-Hittner syndrome. Identifiers: Orphanet 138, MedGen C0265354, MONDO:0008965.

Submission:

Labcorp Genetics (formerly Invitae), Labcorp
Classification: Uncertain significance for CHARGE syndrome. Last evaluated: 2024-07-30. Review status: criteria provided, single submitter. Criteria: Invitae Variant Classification Sherloc (09022015). Collection method: clinical testing. Allele origin: germline.
Comment: This sequence change falls in intron 21 of the CHD7 gene. It does not directly change the encoded amino acid sequence of the CHD7 protein. This variant is not present in population databases (gnomAD no frequency). This variant has not been reported in the literature in individuals affected with CHD7-related conditions. Algorithms developed to predict the effect of sequence changes on RNA splicing suggest that this variant may disrupt the consensus splice site. In summary, the available evidence is currently insufficient to determine the role of this variant in disease. Therefore, it has been classified as a Variant of Uncertain Significance.